The following is an entry in ClinVar:

ClinVar aggregate classification (germline): Uncertain significance (1 of 4 stars; one submission).

Allele frequency attached by ClinVar (database versions not stated): gnomAD exomes below 0.00001; gnomAD 0.00001.

Submission:

Women's Health and Genetics/Laboratory Corporation of America, LabCorp
Classification: Uncertain significance. Last evaluated: 2023-10-10. Review status: criteria provided, single submitter. Criteria: LabCorp Variant Classification Summary - May 2015. Collection method: clinical testing. Allele origin: germline.
Comment: Variant summary: IRF2BPL c.923C>T (p.Thr308Met) results in a non-conservative amino acid change in the encoded protein sequence. Four of five in-silico tools predict a benign effect of the variant on protein function. The variant allele was found at a frequency of 6.6e-06 in 150968 control chromosomes (gnomAD v3.1, genomes dataset). The available data on variant occurrences in the general population are insufficient to allow any conclusion about variant significance. To our knowledge, no occurrence of c.923C>T in individuals affected with Neurodevelopmental Disorder With Regression, Abnormal Movements, Loss Of Speech, And Seizures and no experimental evidence demonstrating its impact on protein function have been reported. No submitters have cited clinical-significance assessments for this variant to ClinVar after 2014. Based on the evidence outlined above, the variant was classified as uncertain significance.

NM_024496.4(IRF2BPL):c.923C>T (p.Thr308Met)

Gene: IRF2BPL (interferon regulatory factor 2 binding protein like; minus strand). Cytogenetic location: 14q24.3.
Variant type: single nucleotide variant.
Coding change: c.923C>T on transcript NM_024496.4 (MANE Select); coding-DNA position 923, C replaced by T.
Protein change: p.Thr308Met; replaces threonine 308 with methionine.
Molecular consequence: missense variant.
Genome position (GRCh38, 1-based): chr14:77,026,870, G>A on the plus strand (C>T on the coding strand, the complement: IRF2BPL is on the minus strand). VCF-style: chr14-77026870-G-A. GRCh37 (hg19) VCF-style: chr14-77493213-G-A.
Other names: short protein forms T308M.
Identifiers: ClinVar variation 2637663 (VCV002637663.1), dbSNP rs1287337704, ClinGen allele CA390497333.